The following is an entry in ClinVar:

NM_020832.3(ZNF687):c.2560C>T (p.Arg854Cys)

Gene: ZNF687 (zinc finger protein 687; plus strand). Cytogenetic location: 1q21.3.
Variant type: single nucleotide variant.
Coding change: c.2560C>T on transcript NM_020832.3 (MANE Select); coding-DNA position 2560, C replaced by T.
Protein change: p.Arg854Cys; replaces arginine 854 with cysteine.
Molecular consequence: missense variant.
Genome position (GRCh38, 1-based): chr1:151,289,466, C>T. VCF-style: chr1-151289466-C-T. GRCh37 (hg19) VCF-style: chr1-151261942-C-T.
Other names: c.2560C>T (NM_020832.1); c.2560C>T, p.Arg854Cys (NM_001304763.2, NM_001304764.2); short protein forms R854C.
Identifiers: ClinVar variation 3718196 (VCV003718196.3).

ClinVar aggregate classification (germline): Uncertain significance. Review status: criteria provided, multiple submitters, no conflicts (2 of 4 stars). 2 submissions from 2 submitters: Uncertain significance (2). Last evaluated 2025-02-27.

gnomAD v4.1: 12 of 1,614,176 alleles (0.00074%); highest among the groups gnomAD compares: East Asian, 0.013%; no homozygotes.

Submissions (2):

Ambry Genetics
Classification: Uncertain significance. Last evaluated: 2025-02-27. Review status: criteria provided, single submitter. Criteria: Ambry Variant Classification Scheme 2023. Collection method: clinical testing. Allele origin: germline.

Labcorp Genetics (formerly Invitae), Labcorp
Classification: Uncertain significance. Last evaluated: 2024-08-19. Review status: criteria provided, single submitter. Criteria: Invitae Variant Classification Sherloc (09022015). Collection method: clinical testing. Allele origin: germline.
Comment: This sequence change replaces arginine, which is basic and polar, with cysteine, which is neutral and slightly polar, at codon 854 of the ZNF687 protein (p.Arg854Cys). This variant is present in population databases (rs587743081, gnomAD 0.02%). This variant has not been reported in the literature in individuals affected with ZNF687-related conditions. An algorithm developed to predict the effect of missense changes on protein structure and function (PolyPhen-2) suggests that this variant is likely to be disruptive. In summary, the available evidence is currently insufficient to determine the role of this variant in disease. Therefore, it has been classified as a Variant of Uncertain Significance.